The following is an entry in ClinVar:

ClinVar aggregate classification (germline): Uncertain significance (1 of 4 stars; one submission).

Submission:

Labcorp Genetics (formerly Invitae), Labcorp
Classification: Uncertain significance. Last evaluated: 2024-12-30. Review status: criteria provided, single submitter. Criteria: Invitae Variant Classification Sherloc (09022015). Collection method: clinical testing. Allele origin: germline.
Comment: This sequence change replaces glutamic acid, which is acidic and polar, with glycine, which is neutral and non-polar, at codon 98 of the MATN3 protein (p.Glu98Gly). This variant is not present in population databases (gnomAD no frequency). This variant has not been reported in the literature in individuals affected with MATN3-related conditions. Invitae Evidence Modeling of protein sequence and biophysical properties (such as structural, functional, and spatial information, amino acid conservation, physicochemical variation, residue mobility, and thermodynamic stability) indicates that this missense variant is not expected to disrupt MATN3 protein function with a negative predictive value of 80%. In summary, the available evidence is currently insufficient to determine the role of this variant in disease. Therefore, it has been classified as a Variant of Uncertain Significance.

NM_002381.5(MATN3):c.293A>G (p.Glu98Gly)

Gene: MATN3 (matrilin 3; minus strand). Cytogenetic location: 2p24.1.
Variant type: single nucleotide variant.
Coding change: c.293A>G on transcript NM_002381.5 (MANE Select); coding-DNA position 293, A replaced by G.
Protein change: p.Glu98Gly; replaces glutamic acid 98 with glycine.
Molecular consequence: missense variant.
Genome position (GRCh38, 1-based): chr2:20,006,241, T>C on the plus strand (A>G on the coding strand, the complement: MATN3 is on the minus strand). VCF-style: chr2-20006241-T-C. GRCh37 (hg19) VCF-style: chr2-20206002-T-C.
Other names: short protein forms E98G.
Identifiers: ClinVar variation 3629199 (VCV003629199.2).